The following is an entry in ClinVar:

ClinVar aggregate classification (germline): Uncertain significance. Review status: criteria provided, multiple submitters, no conflicts (2 of 4 stars). 3 submissions from 3 submitters: Uncertain significance (3). Last evaluated 2025-10-11.

Conditions:
Pheochromocytoma/paraganglioma syndrome 3. Also called: GLOMUS TUMORS, FAMILIAL, 3; Paragangliomas 3; SDHC-Related Hereditary Paraganglioma-Pheochromocytoma Syndrome (Paragangliomas 3); SDHC-Related Hereditary Paraganglioma-Pheochromocytoma Syndrome. Identifiers: Orphanet 29072, MedGen C1854336, MONDO:0011544, OMIM 605373.
Gastrointestinal stromal tumor. Also called: Gastrointestinal stroma tumor; Gastrointestinal stromal tumor, somatic. Identifiers: Orphanet 44890, MedGen C0238198, MeSH D046152, MONDO:0011719, OMIM 606764, HP:0100723.
Hereditary cancer-predisposing syndrome. Also called: Tumor predisposition; Hereditary Cancer Syndrome; Hereditary neoplastic syndrome; Neoplastic Syndromes, Hereditary. Identifiers: Orphanet 140162, MedGen C0027672, MeSH D009386, MONDO:0015356.
Hereditary pheochromocytoma and paraganglioma. Also called: Hereditary paragangliomas and pheochromocytomas; Hereditary Paraganglioma-Pheochromocytoma Syndromes; Hereditary pheochromocytoma-paraganglioma. Identifiers: Orphanet 29072, MedGen C4274332, MONDO:0017366.

Allele frequency attached by ClinVar (database versions not stated): gnomAD exomes below 0.00001 and 0.00001.
gnomAD v4.1: 13 of 1,588,404 alleles (0.00082%); highest among the groups gnomAD compares: East Asian, 0.0022%; no homozygotes.

Submissions (3):

Labcorp Genetics (formerly Invitae), Labcorp
Classification: Uncertain significance for Pheochromocytoma/paraganglioma syndrome 3; Gastrointestinal stromal tumor. Last evaluated: 2025-10-11. Review status: criteria provided, single submitter. Criteria: Invitae Variant Classification Sherloc (09022015). Collection method: clinical testing. Allele origin: germline.
Comment: This sequence change replaces serine, which is neutral and polar, with asparagine, which is neutral and polar, at codon 60 of the SDHC protein (p.Ser60Asn). RNA analysis indicates that this missense change induces altered splicing and likely results in a shortened protein product. This variant is present in population databases (no rsID available, gnomAD 0.003%). This variant has not been reported in the literature in individuals affected with SDHC-related conditions. ClinVar contains an entry for this variant (Variation ID: 1376086). An algorithm developed to predict the effect of missense changes on protein structure and function (PolyPhen-2) suggests that this variant is likely to be tolerated. Variants that disrupt the consensus splice site are a relatively common cause of aberrant splicing (PMID: 17576681, 9536098). Studies have shown that this missense change results in skipping of exon 3, but is expected to preserve the integrity of the reading-frame (internal data). In summary, the available evidence is currently insufficient to determine the role of this variant in disease. Therefore, it has been classified as a Variant of Uncertain Significance.

Ambry Genetics
Classification: Uncertain significance for Hereditary cancer-predisposing syndrome. Last evaluated: 2025-04-17. Review status: criteria provided, single submitter. Criteria: Ambry Variant Classification Scheme 2023. Collection method: clinical testing. Allele origin: germline.
Comment: The c.179G>A variant (also known as p.S60N), located in coding exon 3 of the SDHC gene, results from a G to A substitution at nucleotide position 179. The amino acid change results in serine to asparagine at codon 60, an amino acid with highly similar properties. However, this change occurs in the last base pair of coding exon 3, which makes it likely to have some effect on normal mRNA splicing. This alteration was identified in 1/1358 non-cancer control individuals and in 0/57 cases, in a study looking at cancer predisposition mutations in patients with cutaneous melanoma and a history of at least two additional non-cutaneous melanoma primary cancers (Pritchard AL et al. PLoS One, 2018 Apr;13:e0194098). This nucleotide position is well conserved in available vertebrate species. This amino acid position is not well conserved in available vertebrate species. In silico splice site analysis predicts that this alteration will weaken the native splice donor site. In addition, as a missense substitution this alteration is predicted to be tolerated by in silico analysis. RNA studies have demonstrated that this alteration results in a splice defect involving exons excluded from naturally occurring transcripts; the clinical impact of this abnormal splicing is unknown at this time (Ambry internal data). Based on the available evidence, the clinical significance of this variant remains unclear.

All of Us Research Program, National Institutes of Health
Classification: Uncertain significance for Hereditary pheochromocytoma and paraganglioma. Last evaluated: 2024-07-10. Review status: criteria provided, single submitter. Criteria: ACMG Guidelines, 2015. Collection method: clinical testing. Allele origin: germline. Inheritance: Autosomal dominant inheritance. Observed: 2 variant alleles, 2 heterozygotes.
Comment: This missense variant replaces serine with asparagine at codon 60 of the SDHC protein. Computational prediction suggests that this variant may not impact protein structure and function (internally defined REVEL score threshold <= 0.5, PMID: 27666373). Splice site prediction tools suggest that this variant may impact RNA splicing. To our knowledge, functional studies have not been reported for this variant. This variant has not been reported in individuals affected with SDHC-related disorders in the literature. This variant has been identified in 1/251440 chromosomes in the general population by the Genome Aggregation Database (gnomAD). The available evidence is insufficient to determine the role of this variant in disease conclusively. Therefore, this variant is classified as a Variant of Uncertain Significance.

This study involves interpretation of variants in research participants for the purpose of population health screening. Participant phenotype was not available at the time of variant classification. Additional details can be found in publication PMID: 35346344, PMCID: PMC8962531

Literature cited by the submitters: PubMed 17576681 (cited by Labcorp Genetics (formerly Invitae), Labcorp); PubMed 9536098 (cited by Labcorp Genetics (formerly Invitae), Labcorp); PubMed 29641532 (cited by Ambry Genetics).

NM_003001.5(SDHC):c.179G>A (p.Ser60Asn)

Gene: SDHC (succinate dehydrogenase complex subunit C; plus strand). Cytogenetic location: 1q23.3.
Variant type: single nucleotide variant.
Coding change: c.179G>A on transcript NM_003001.5 (MANE Select); coding-DNA position 179, G replaced by A.
Protein change: p.Ser60Asn; replaces serine 60 with asparagine.
Molecular consequence: missense variant. On other transcripts: non-coding transcript variant (1), intron variant (4).
Genome position (GRCh38, 1-based): chr1:161,328,497, G>A. VCF-style: chr1-161328497-G-A. GRCh37 (hg19) VCF-style: chr1-161298287-G-A.
Other names: c.179G>A, p.Ser60Asn (NM_001035511.3); c.179G>A, p.Arg60Lys (NM_001407115.1); c.122G>A, p.Ser41Asn (NM_001407116.1, NM_001407117.1, NM_001407121.1); c.68G>A, p.Ser23Asn (NM_001407119.1, NM_001407120.1); c.77+4827G>A (NM_001035512.3, NM_001278172.3, NM_001407118.1); c.21-12097G>A (NM_001035513.3); short protein forms S60N, R60K, S41N, S23N.
Identifiers: ClinVar variation 1376086 (VCV001376086.14), dbSNP rs1179839529, ClinGen allele CA343361384.